The following is an entry in ClinVar:

NM_017570.5(OPLAH):c.2722C>T (p.Pro908Ser)

Gene: OPLAH (5-oxoprolinase, ATP-hydrolysing; minus strand). Cytogenetic location: 8q24.3.
Variant type: single nucleotide variant.
Coding change: c.2722C>T on transcript NM_017570.5 (MANE Select); coding-DNA position 2722, C replaced by T.
Protein change: p.Pro908Ser; replaces proline 908 with serine.
Molecular consequence: missense variant.
Genome position (GRCh38, 1-based): chr8:144,053,358, G>A on the plus strand (C>T on the coding strand, the complement: OPLAH is on the minus strand). VCF-style: chr8-144053358-G-A. GRCh37 (hg19) VCF-style: chr8-145108261-G-A.
Other names: c.2722C>T (NM_017570.4); short protein forms P908S.
Identifiers: ClinVar variation 2042941 (VCV002042941.5), dbSNP rs182172563, ClinGen allele CA4931347.

ClinVar aggregate classification (germline): Benign/Likely benign. Review status: criteria provided, multiple submitters, no conflicts (2 of 4 stars). 2 submissions from 2 submitters: Benign (1); Likely benign (1). Last evaluated 2026-06-29.

Conditions:
OPLAH-related disorder. Also called: OPLAH-related condition.
5-Oxoprolinase deficiency (OPLAHD). Also called: 5-OXOPROLINURIA DUE TO 5-OXOPROLINASE DEFICIENCY. Identifiers: Orphanet 33572, MedGen C0268525, MONDO:0009825, OMIM 260005, HP:0040142.

Allele frequency attached by ClinVar (database versions not stated): gnomAD exomes 0.00035; ExAC 0.00137; ESP Exome Variant Server 0.00364; gnomAD 0.00378; TOPMed 0.00443; 1000 Genomes Project 0.00519; 1000 Genomes Project 30x 0.00593.
gnomAD v4.1: 1,089 of 1,612,558 alleles (0.068%); highest among the groups gnomAD compares: African/African-American, 1.3%; 9 homozygotes.

Submissions (2):

PreventionGenetics, part of Exact Sciences
Classification: Likely benign for OPLAH-related condition. Last evaluated: 2026-06-29. Review status: criteria provided, single submitter. Criteria: ACMG Guidelines, 2015. Collection method: clinical testing. Allele origin: germline.
Comment: This variant is classified as likely benign based on ACMG/AMP sequence variant interpretation guidelines (Richards et al. 2015 PMID: 25741868, with internal and published modifications).

Labcorp Genetics (formerly Invitae), Labcorp
Classification: Benign for 5-Oxoprolinase deficiency. Last evaluated: 2026-01-13. Review status: criteria provided, single submitter. Criteria: Invitae Variant Classification Sherloc (09022015). Collection method: clinical testing. Allele origin: germline.